The following is an entry in ClinVar:

ClinVar aggregate classification (germline): Likely pathogenic. Review status: criteria provided, multiple submitters, no conflicts (2 of 4 stars). 3 submissions from 3 submitters: Likely pathogenic (3). Last evaluated 2025-12-13.

Conditions:
Bardet-Biedl syndrome (BBS). Identifiers: Orphanet 110, MedGen C0752166, MONDO:0015229.
Bardet-Biedl syndrome 1 (BBS1). Identifiers: MedGen C2936862, MONDO:0008854, OMIM 209900. Disease mechanism: loss of function.
Retinal dystrophy. Also called: Inherited retinal dystrophy. Identifiers: Orphanet 71862, MedGen C0854723, MeSH D058499, MONDO:0019118, HP:0000556.

Allele frequency attached by ClinVar (database versions not stated): ExAC 0.00001; gnomAD exomes below 0.00001.

Submissions (3):

3billion
Classification: Likely pathogenic for Bardet-Biedl syndrome 1. Last evaluated: 2025-12-13. Review status: criteria provided, single submitter. Criteria: ACMG Guidelines, 2015. Collection method: clinical testing. Allele origin: germline. Affected: yes.
Comment: The variant is observed at an extremely low frequency in the gnomAD v4.1.0 dataset (total allele frequency: <0.001%). Predicted Consequence/Location: Missense variant. The majority of the known disease-causing variants of this gene are variants expected to result in premature termination of the protein. In silico tool predictions suggest damaging effect of the variant on gene or gene product [REVEL: 0.61 (>=0.6, sensitivity 0.68 and specificity 0.92)]. The same nucleotide change resulting in the same amino acid change has been previously reported as pathogenic/likely pathogenic with strong evidence (ClinVar ID: VCV000625444 /PMID: 31196119). Therefore, this variant is classified as Likely pathogenic according to the recommendation of ACMG/AMP guideline.

Institute of Human Genetics, Univ. Regensburg, Univ. Regensburg
Classification: Likely pathogenic for Retinal dystrophy. Last evaluated: 2022-01-01. Review status: criteria provided, single submitter. Criteria: ACMG Guidelines, 2015. Collection method: clinical testing. Allele origin: germline. Affected: yes.

MAGI'S LAB - Medical Genetics Laboratory, MAGI GROUP
Classification: Likely pathogenic for Bardet-Biedl syndrome. Last evaluated: 2018-10-01. Review status: criteria provided, single submitter. Criteria: ACMG Guidelines, 2015. Collection method: clinical testing. Allele origin: germline. Affected: yes.

Literature cited by the submitters: PubMed 31196119 (cited by 3billion and Institute of Human Genetics, Univ. Regensburg, Univ. Regensburg); PubMed 3646071 (cited by Institute of Human Genetics, Univ. Regensburg, Univ. Regensburg); PubMed 12118255 (cited by MAGI'S LAB - Medical Genetics Laboratory, MAGI GROUP).

NM_024649.5(BBS1):c.46A>T (p.Ser16Cys)

Gene: BBS1 (Bardet-Biedl syndrome 1; plus strand). Cytogenetic location: 11q13.2.
Variant type: single nucleotide variant.
Coding change: c.46A>T on transcript NM_024649.5 (MANE Select); coding-DNA position 46, A replaced by T.
Protein change: p.Ser16Cys; replaces serine 16 with cysteine.
Molecular consequence: missense variant.
Genome position (GRCh38, 1-based): chr11:66,510,705, A>T. VCF-style: chr11-66510705-A-T. GRCh37 (hg19) VCF-style: chr11-66278176-A-T.
Other names: short protein forms S16C.
Identifiers: ClinVar variation 625444 (VCV000625444.4), dbSNP rs772917364, ClinGen allele CA6123193.
Genomic context (GRCh38, chr11:66,510,705, plus strand): 5'-ACGACGCCTGCGAAGATGGCCGCTGCGTCCTCATCGGATTCCGACGCCTGCGGAGCTGAG[A>T]GGTGAAGGCAGGGCTCCTCAAGGCCTCTTTTCCCACCCGTGTAAAGAGGGTCCCTTGGTC-3'
Protein context (NP_078925.3, residues 6-26): SSDSDACGAE[Ser16Cys]NEANSKWLDA